The following is an entry in ClinVar:

ClinVar aggregate classification (germline): Likely pathogenic (1 of 4 stars; one submission).

Submission:

CeGaT Center for Human Genetics Tuebingen
Classification: Likely pathogenic. Last evaluated: 2026-09-01. Review status: criteria provided, single submitter. Criteria: CeGaT Center For Human Genetics Tuebingen Variant Classification Criteria Version 2. Collection method: clinical testing. Allele origin: germline. Affected: yes. Observed: 1 variant allele.
Comment: KCNJ11: PM1, PM2, PP3, PP4

NM_000525.4(KCNJ11):c.531G>C (p.Arg177Ser)

Gene: KCNJ11 (potassium inwardly rectifying channel subfamily J member 11; minus strand). Cytogenetic location: 11p15.1.
Variant type: single nucleotide variant.
Coding change: c.531G>C on transcript NM_000525.4 (MANE Select); coding-DNA position 531, G replaced by C.
Protein change: p.Arg177Ser; replaces arginine 177 with serine.
Molecular consequence: missense variant.
Genome position (GRCh38, 1-based): chr11:17,387,561, C>G on the plus strand (G>C on the coding strand, the complement: KCNJ11 is on the minus strand). VCF-style: chr11-17387561-C-G. GRCh37 (hg19) VCF-style: chr11-17409108-C-G.
Other names: c.270G>C, p.Arg90Ser (NM_001166290.2, NM_001377296.1, NM_001377297.1); short protein forms R177S, R90S.
Identifiers: ClinVar variation 5041737 (VCV005041737.1).